The following is an entry in ClinVar:

ClinVar aggregate classification (germline): Uncertain significance (1 of 4 stars; one submission).

Conditions:
Developmental and epileptic encephalopathy, 42 (DEE42A). Also called: DEVELOPMENTAL AND EPILEPTIC ENCEPHALOPATHY 42A; EPILEPTIC ENCEPHALOPATHY, EARLY INFANTILE, 42A; Epileptic encephalopathy, early infantile, 42. Identifiers: MedGen C4310716, MONDO:0014917, OMIM 617106.
Episodic ataxia type 2 (EA2). Also called: ACETAZOLAMIDE-RESPONSIVE HEREDITARY PAROXYSMAL CEREBELLAR ATAXIA; ATAXIA, EPISODIC, WITH NYSTAGMUS; ATAXIA, FAMILIAL PAROXYSMAL; CEREBELLAR ATAXIA, PAROXYSMAL, ACETAZOLAMIDE-RESPONSIVE; CEREBELLOPATHY, HEREDITARY PAROXYSMAL; EPISODIC ATAXIA, NYSTAGMUS-ASSOCIATED. Identifiers: Orphanet 97, MedGen C1720416, MONDO:0007163, OMIM 108500.

Submission:

Labcorp Genetics (formerly Invitae), Labcorp
Classification: Uncertain significance for Developmental and epileptic encephalopathy, 42; Episodic ataxia type 2. Last evaluated: 2024-12-16. Review status: criteria provided, single submitter. Criteria: Invitae Variant Classification Sherloc (09022015). Collection method: clinical testing. Allele origin: germline.
Comment: This sequence change replaces asparagine, which is neutral and polar, with serine, which is neutral and polar, at codon 333 of the CACNA1A protein (p.Asn333Ser). This variant is not present in population databases (gnomAD no frequency). This variant has not been reported in the literature in individuals affected with CACNA1A-related conditions. ClinVar contains an entry for this variant (Variation ID: 2925139). Invitae Evidence Modeling of protein sequence and biophysical properties (such as structural, functional, and spatial information, amino acid conservation, physicochemical variation, residue mobility, and thermodynamic stability) indicates that this missense variant is not expected to disrupt CACNA1A protein function with a negative predictive value of 95%. In summary, the available evidence is currently insufficient to determine the role of this variant in disease. Therefore, it has been classified as a Variant of Uncertain Significance.

NM_001127222.2(CACNA1A):c.998A>G (p.Asn333Ser)

Genes: CACNA1A (calcium voltage-gated channel subunit alpha1 A; minus strand), LOC126862866 (MED14-independent group 3 enhancer GRCh37_chr19:13445719-13446918; plus strand). Cytogenetic location: 19p13.13.
Variant type: single nucleotide variant.
Coding change: c.998A>G on transcript NM_001127222.2 (MANE Select); coding-DNA position 998, A replaced by G.
Protein change: p.Asn333Ser; replaces asparagine 333 with serine.
Molecular consequence: missense variant.
Genome position (GRCh38, 1-based): chr19:13,335,890, T>C on the plus strand (A>G on the coding strand, the complement: CACNA1A is on the minus strand). VCF-style: chr19-13335890-T-C. GRCh37 (hg19) VCF-style: chr19-13446704-T-C.
Other names: c.998A>G, p.Asn333Ser (NM_000068.4, NM_001127221.2, NM_001174080.2 and 1 more transcripts); short protein forms N333S.
Identifiers: ClinVar variation 2925139 (VCV002925139.3), dbSNP rs2513056079, ClinGen allele CA404346848.